The following is an entry in ClinVar:

ClinVar aggregate classification (germline): Likely benign (1 of 4 stars; one submission).

gnomAD v4.1: 2 of 1,599,854 alleles (0.00013%); highest among the groups gnomAD compares: Non-Finnish European, 0.00017%; no homozygotes.

Submission:

CeGaT Center for Human Genetics Tuebingen
Classification: Likely benign. Last evaluated: 2026-01-01. Review status: criteria provided, single submitter. Criteria: CeGaT Center For Human Genetics Tuebingen Variant Classification Criteria Version 2. Collection method: clinical testing. Allele origin: germline. Affected: yes. Observed: 1 variant allele.
Comment: CDHR1: BP4, BP7

NM_033100.4(CDHR1):c.2565C>T (p.Asn855=)

Gene: CDHR1 (cadherin related family member 1; plus strand). Cytogenetic location: 10q23.1.
Variant type: single nucleotide variant.
Coding change: c.2565C>T on transcript NM_033100.4 (MANE Select); coding-DNA position 2565, C replaced by T.
Protein change: p.Asn855=; no amino-acid change (asparagine 855 retained).
Molecular consequence: synonymous variant. On other transcripts: intron variant (1).
Genome position (GRCh38, 1-based): chr10:84,214,606, C>T. VCF-style: chr10-84214606-C-T. GRCh37 (hg19) VCF-style: chr10-85974362-C-T.
Other names: c.2040+1258C>T (NM_001171971.3).
Identifiers: ClinVar variation 4821914 (VCV004821914.4).